The following is an entry in ClinVar:

ClinVar aggregate classification (germline): Uncertain significance (1 of 4 stars; one submission).

Conditions:
SPEN-related disorder. Also called: SPEN-related condition.

Submission:

PreventionGenetics, part of Exact Sciences
Classification: Uncertain significance for SPEN-related condition. Last evaluated: 2023-03-07. Review status: criteria provided, single submitter. Criteria: ACMG Guidelines, 2015. Collection method: clinical testing. Allele origin: germline.
Comment: The SPEN c.2136C>G variant is predicted to result in the amino acid substitution p.Asp712Glu. To our knowledge, this variant has not been reported in the literature or in a large population database, indicating this variant is rare. At this time, the clinical significance of this variant is uncertain due to the absence of conclusive functional and genetic evidence.

NM_015001.3(SPEN):c.2136C>G (p.Asp712Glu)

Gene: SPEN (spen family transcriptional repressor; plus strand). Cytogenetic location: 1p36.13.
Variant type: single nucleotide variant.
Coding change: c.2136C>G on transcript NM_015001.3 (MANE Select); coding-DNA position 2136, C replaced by G.
Protein change: p.Asp712Glu; replaces aspartic acid 712 with glutamic acid.
Molecular consequence: missense variant.
Genome position (GRCh38, 1-based): chr1:15,928,376, C>G. VCF-style: chr1-15928376-C-G. GRCh37 (hg19) VCF-style: chr1-16254871-C-G.
Other names: short protein forms D712E.
Identifiers: ClinVar variation 2630129 (VCV002630129.1), dbSNP rs2523073213, ClinGen allele CA338598246.